The following is an entry in ClinVar:

NM_005045.4(RELN):c.1405A>G (p.Thr469Ala)

Genes: RELN (reelin; minus strand), LOC126860131 (MED14-independent group 3 enhancer GRCh37_chr7:103301048-103302247; plus strand). Cytogenetic location: 7q22.1.
Variant type: single nucleotide variant.
Coding change: c.1405A>G on transcript NM_005045.4 (MANE Select); coding-DNA position 1405, A replaced by G.
Protein change: p.Thr469Ala; replaces threonine 469 with alanine.
Molecular consequence: missense variant.
Genome position (GRCh38, 1-based): chr7:103,661,412, T>C on the plus strand (A>G on the coding strand, the complement: RELN is on the minus strand). VCF-style: chr7-103661412-T-C. GRCh37 (hg19) VCF-style: chr7-103301859-T-C.
Other names: c.1405A>G, p.Thr469Ala (NM_173054.3); c.1405A>G (NM_005045.3); short protein forms T469A.
Identifiers: ClinVar variation 1014148 (VCV001014148.10), dbSNP rs182533022, ClinGen allele CA4422278.
Genomic context (GRCh38, chr7:103,661,412, plus strand): 5'-CAAAGTTTGTGAAAATGTACTTACCCATCACAAAGTAAAACCTCAGGTTCCCATAACCGG[T>C]AGTGTCCATGGATGGAGTGCATAATTTCCTCTCTCCATCTTTGAGGAAGACCATTGATAA-3'
Protein context (NP_005036.2, residues 459-479): RKLCTPSMDT[Thr469Ala]GYGNLRFYFV

ClinVar aggregate classification (germline): Uncertain significance. Review status: criteria provided, multiple submitters, no conflicts (2 of 4 stars). 2 submissions from 2 submitters: Uncertain significance (2). Last evaluated 2025-04-01.

Conditions:
Inborn genetic diseases. Identifiers: MedGen C0950123, MeSH D030342.
Familial temporal lobe epilepsy 7. Identifiers: Orphanet 101046, MedGen C4225327, MONDO:0014639, OMIM 616436.
Norman-Roberts syndrome (LIS2). Also called: Lissencephaly 2 (Norman-Roberts type). Identifiers: Orphanet 89844, MedGen C0796089, MONDO:0009760, OMIM 257320.

Allele frequency attached by ClinVar (database versions not stated): gnomAD exomes below 0.00001 and 0.00001; ExAC 0.00001; gnomAD 0.00001 and 0.00002; TOPMed 0.00003; 1000 Genomes Project 0.00020; 1000 Genomes Project 30x 0.00031.
gnomAD v4.1: 21 of 1,608,088 alleles (0.0013%); highest among the groups gnomAD compares: African/African-American, 0.0027%; no homozygotes.

Submissions (2):

Ambry Genetics
Classification: Uncertain significance for Inborn genetic diseases. Last evaluated: 2025-04-01. Review status: criteria provided, single submitter. Criteria: Ambry Variant Classification Scheme 2023. Collection method: clinical testing. Allele origin: germline.

Labcorp Genetics (formerly Invitae), Labcorp
Classification: Uncertain significance for Familial temporal lobe epilepsy 7; Norman-Roberts syndrome. Last evaluated: 2024-04-25. Review status: criteria provided, single submitter. Criteria: Invitae Variant Classification Sherloc (09022015). Collection method: clinical testing. Allele origin: germline.
Comment: This sequence change replaces threonine, which is neutral and polar, with alanine, which is neutral and non-polar, at codon 469 of the RELN protein (p.Thr469Ala). This variant is present in population databases (rs182533022, gnomAD 0.003%). This variant has not been reported in the literature in individuals affected with RELN-related conditions. ClinVar contains an entry for this variant (Variation ID: 1014148). Advanced modeling of protein sequence and biophysical properties (such as structural, functional, and spatial information, amino acid conservation, physicochemical variation, residue mobility, and thermodynamic stability) performed at Invitae indicates that this missense variant is not expected to disrupt RELN protein function with a negative predictive value of 80%. In summary, the available evidence is currently insufficient to determine the role of this variant in disease. Therefore, it has been classified as a Variant of Uncertain Significance.